The following is an entry in ClinVar:

ClinVar aggregate classification (germline): Pathogenic. Review status: criteria provided, single submitter (1 of 4 stars). 2 submissions from 2 submitters: Pathogenic (1). 1 of the submissions does not count toward it. Last evaluated 2024-07-29.

Conditions:
Deficiency of ferroxidase (ACEP). Also called: NEURODEGENERATION WITH BRAIN IRON ACCUMULATION 10; Ceruloplasmin deficiency; Familial apoceruloplasmin deficiency; Hereditary ceruloplasmin deficiency; Aceruloplasminemia; Deficiency of ceruloplasmin. Identifiers: Orphanet 48818, MedGen C0878682, MONDO:0011426, OMIM 604290, HP:0025498.

Allele frequency attached by ClinVar (database versions not stated): TOPMed below 0.00001; gnomAD 0.00001; gnomAD exomes 0.00001.

Submissions (2):

Labcorp Genetics (formerly Invitae), Labcorp
Classification: Pathogenic for Deficiency of ferroxidase. Last evaluated: 2024-07-29. Review status: criteria provided, single submitter. Criteria: Invitae Variant Classification Sherloc (09022015). Collection method: clinical testing. Allele origin: germline.
Comment: This sequence change creates a premature translational stop signal (p.Arg215*) in the CP gene. It is expected to result in an absent or disrupted protein product. Loss-of-function variants in CP are known to be pathogenic (PMID: 16629161). This variant is present in population databases (rs386134155, gnomAD 0.004%). This premature translational stop signal has been observed in individual(s) with aceruloplasminemia (PMID: 16629161). This variant is also known as R196Ter. ClinVar contains an entry for this variant (Variation ID: 42122). Algorithms developed to predict the effect of sequence changes on RNA splicing suggest that this variant may disrupt the consensus splice site. For these reasons, this variant has been classified as Pathogenic.

GeneReviews
Classification: Pathogenic for Aceruloplasminemia. Last evaluated: 2013-04-18. Review status: no assertion criteria provided. Collection method: curation. Allele origin: unknown. Not counted in ClinVar's aggregate classification.
ClinVar note: Converted during submission from pathologic to Pathogenic.

Literature cited by the submitters: PubMed 16629161 (cited by Labcorp Genetics (formerly Invitae), Labcorp).

NM_000096.4(CP):c.643C>T (p.Arg215Ter)

Gene: CP (ceruloplasmin; minus strand). Cytogenetic location: 3q25.1.
Variant type: single nucleotide variant.
Coding change: c.643C>T on transcript NM_000096.4 (MANE Select); coding-DNA position 643, C replaced by T.
Protein change: p.Arg215Ter; replaces arginine 215 with a stop codon.
Molecular consequence: nonsense. On other transcripts: non-coding transcript variant (1).
Genome position (GRCh38, 1-based): chr3:149,209,349, G>A on the plus strand (C>T on the coding strand, the complement: CP is on the minus strand). VCF-style: chr3-149209349-G-A. GRCh37 (hg19) VCF-style: chr3-148927136-G-A.
Other names: R196X; short protein forms R215*.
Identifiers: ClinVar variation 42122 (VCV000042122.11), dbSNP rs386134155, ClinGen allele CA344574.
Genomic context (GRCh38, chr3:149,209,349, plus strand): 5'-TGTCTTCTAGGTACCAGCTGAAATTTTCATCCACCACAGAAAACATCACCACAAATTCTC[G>A]GTCAATATGTTTTTCTTTTTCTTTATCTAGAGAATCTGGAGTTAAAGTTACTATTTTAGC-3'